The following is an entry in ClinVar:

ClinVar aggregate classification (germline): Likely benign. Review status: criteria provided, single submitter (1 of 4 stars). 2 submissions from 2 submitters: Likely benign (1). 1 of the submissions does not count toward it. Last evaluated 2024-05-31.

Conditions:
SEMA3E-related disorder. Also called: SEMA3E-related condition.
CHARGE syndrome (CHARGE). Also called: Hittner Hirsch Kreh syndrome; Coloboma, heart anomaly, choanal atresia, retardation, genital and ear anomalies; CHARGE association; Hall-Hittner syndrome; CHARGE ASSOCIATION--COLOBOMA, HEART ANOMALY, CHOANAL ATRESIA, RETARDATION, GENITAL AND EAR ANOMALIES. Identifiers: Orphanet 138, MedGen C0265354, MONDO:0008965.

Allele frequency attached by ClinVar (database versions not stated): gnomAD 0.00001 and 0.00003.
gnomAD v4.1: 105 of 1,613,432 alleles (0.0065%); highest among the groups gnomAD compares: South Asian, 0.096%; no homozygotes.

Submissions (2):

Labcorp Genetics (formerly Invitae), Labcorp
Classification: Likely benign for CHARGE syndrome. Last evaluated: 2024-05-31. Review status: criteria provided, single submitter. Criteria: Invitae Variant Classification Sherloc (09022015). Collection method: clinical testing. Allele origin: germline.

PreventionGenetics, part of Exact Sciences
Classification: Likely benign for SEMA3E-related condition. Last evaluated: 2023-05-17. Review status: no assertion criteria provided. Collection method: clinical testing. Allele origin: germline. Not counted in ClinVar's aggregate classification.
Comment: This variant is classified as likely benign based on ACMG/AMP sequence variant interpretation guidelines (Richards et al. 2015 PMID: 25741868, with internal and published modifications).

NM_012431.3(SEMA3E):c.870G>A (p.Ala290=)

Gene: SEMA3E (semaphorin 3E; minus strand). Cytogenetic location: 7q21.11.
Variant type: single nucleotide variant.
Coding change: c.870G>A on transcript NM_012431.3 (MANE Select); coding-DNA position 870, G replaced by A.
Protein change: p.Ala290=; no amino-acid change (alanine 290 retained).
Molecular consequence: synonymous variant.
Genome position (GRCh38, 1-based): chr7:83,406,003, C>T on the plus strand (G>A on the coding strand, the complement: SEMA3E is on the minus strand). VCF-style: chr7-83406003-C-T. GRCh37 (hg19) VCF-style: chr7-83035319-C-T.
Other names: c.690G>A, p.Ala230= (NM_001178129.2).
Identifiers: ClinVar variation 529149 (VCV000529149.10), dbSNP rs756513699, ClinGen allele CA4322184.